The following is an entry in ClinVar:

ClinVar aggregate classification (germline): Uncertain significance (1 of 4 stars; one submission).

Allele frequency attached by ClinVar (database versions not stated): gnomAD 0.00001.
gnomAD v4.1: 4 of 1,613,788 alleles (0.00025%); highest among the groups gnomAD compares: African/African-American, 0.0013%; no homozygotes.

Submission:

CeGaT Center for Human Genetics Tuebingen
Classification: Uncertain significance. Last evaluated: 2022-08-01. Review status: criteria provided, single submitter. Criteria: CeGaT Center For Human Genetics Tuebingen Variant Classification Criteria Version 2. Collection method: clinical testing. Allele origin: germline. Affected: yes. Observed: 1 variant allele.
Comment: EEF2: PP2, PP3

NM_001961.4(EEF2):c.1423G>A (p.Val475Met)

Gene: EEF2 (eukaryotic translation elongation factor 2; minus strand). Cytogenetic location: 19p13.3.
Variant type: single nucleotide variant.
Coding change: c.1423G>A on transcript NM_001961.4 (MANE Select); coding-DNA position 1423, G replaced by A.
Protein change: p.Val475Met; replaces valine 475 with methionine.
Molecular consequence: missense variant.
Genome position (GRCh38, 1-based): chr19:3,979,990, C>T on the plus strand (G>A on the coding strand, the complement: EEF2 is on the minus strand). VCF-style: chr19-3979990-C-T. GRCh37 (hg19) VCF-style: chr19-3979988-C-T.
Other names: short protein forms V475M.
Identifiers: ClinVar variation 2649021 (VCV002649021.24), dbSNP rs2039725244, ClinGen allele CA403392204.